The following is an entry in ClinVar:

ClinVar aggregate classification (germline): Uncertain significance. Review status: criteria provided, single submitter (1 of 4 stars). 2 submissions from 2 submitters: Uncertain significance (1). 1 of the submissions does not count toward it. Last evaluated 2026-08-01.

Conditions:
ITPR3-related disorder. Also called: ITPR3-related condition.

Submissions (2):

CeGaT Center for Human Genetics Tuebingen
Classification: Uncertain significance. Last evaluated: 2026-08-01. Review status: criteria provided, single submitter. Criteria: CeGaT Center For Human Genetics Tuebingen Variant Classification Criteria Version 2. Collection method: clinical testing. Allele origin: germline. Affected: yes. Observed: 1 variant allele.
Comment: ITPR3: PM2, PP3

PreventionGenetics, part of Exact Sciences
Classification: Uncertain significance for ITPR3-related condition. Last evaluated: 2024-05-09. Review status: no assertion criteria provided. Collection method: clinical testing. Allele origin: germline. Not counted in ClinVar's aggregate classification.
Comment: The ITPR3 c.2755G>T variant is predicted to result in the amino acid substitution p.Gly919Cys. To our knowledge, this variant has not been reported in the literature or in a large population database, indicating this variant is rare. At this time, the clinical significance of this variant is uncertain due to the absence of conclusive functional and genetic evidence.

NM_002224.4(ITPR3):c.2755G>T (p.Gly919Cys)

Gene: ITPR3 (inositol 1,4,5-trisphosphate receptor type 3; plus strand). Cytogenetic location: 6p21.31.
Variant type: single nucleotide variant.
Coding change: c.2755G>T on transcript NM_002224.4 (MANE Select); coding-DNA position 2755, G replaced by T.
Protein change: p.Gly919Cys; replaces glycine 919 with cysteine.
Molecular consequence: missense variant.
Genome position (GRCh38, 1-based): chr6:33,672,055, G>T. VCF-style: chr6-33672055-G-T. GRCh37 (hg19) VCF-style: chr6-33639832-G-T.
Other names: short protein forms G919C.
Identifiers: ClinVar variation 3347133 (VCV003347133.2).